The following is an entry in ClinVar:

NM_001039591.3(USP9X):c.6077C>T (p.Pro2026Leu)

Gene: USP9X (ubiquitin specific peptidase 9 X-linked; plus strand). Cytogenetic location: Xp11.4.
Variant type: single nucleotide variant.
Coding change: c.6077C>T on transcript NM_001039591.3 (MANE Select); coding-DNA position 6077, C replaced by T.
Protein change: p.Pro2026Leu; replaces proline 2026 with leucine.
Molecular consequence: missense variant.
Genome position (GRCh38, 1-based): chrX:41,216,644, C>T. VCF-style: chrX-41216644-C-T. GRCh37 (hg19) VCF-style: chrX-41075897-C-T.
Other names: c.6077C>T, p.Pro2026Leu (NM_001039590.3); short protein forms P2026L.
Identifiers: ClinVar variation 1199960 (VCV001199960.12), dbSNP rs868175613, ClinGen allele CA329026522.

ClinVar aggregate classification (germline): Uncertain significance. Review status: criteria provided, multiple submitters, no conflicts (2 of 4 stars). 3 submissions from 3 submitters: Uncertain significance (3). Last evaluated 2025-08-18.

Conditions:
Inborn genetic diseases. Identifiers: MedGen C0950123, MeSH D030342.

Allele frequency attached by ClinVar (database versions not stated): gnomAD exomes below 0.00001; TOPMed 0.00006.
gnomAD v4.1: 2 of 1,203,694 alleles (0.00017%); highest among the groups gnomAD compares: Admixed American, 0.0022%; no homozygotes.

Submissions (3):

Labcorp Genetics (formerly Invitae), Labcorp
Classification: Uncertain significance. Last evaluated: 2025-08-18. Review status: criteria provided, single submitter. Criteria: Invitae Variant Classification Sherloc (09022015). Collection method: clinical testing. Allele origin: germline.
Comment: This sequence change replaces proline, which is neutral and non-polar, with leucine, which is neutral and non-polar, at codon 2026 of the USP9X protein (p.Pro2026Leu). This variant is not present in population databases (gnomAD no frequency). This variant has not been reported in the literature in individuals affected with USP9X-related conditions. ClinVar contains an entry for this variant (Variation ID: 1199960). An algorithm developed to predict the effect of missense changes on protein structure and function (PolyPhen-2) suggests that this variant is likely to be tolerated. In summary, the available evidence is currently insufficient to determine the role of this variant in disease. Therefore, it has been classified as a Variant of Uncertain Significance.

GeneDx
Classification: Uncertain significance. Last evaluated: 2023-05-25. Review status: criteria provided, single submitter. Criteria: GeneDx Variant Classification Process June 2021. Collection method: clinical testing. Allele origin: germline. Affected: yes.
Comment: Not observed at significant frequency in large population cohorts (gnomAD); In silico analysis supports that this missense variant does not alter protein structure/function; Has not been previously published as pathogenic or benign to our knowledge

Ambry Genetics
Classification: Uncertain significance for Inborn genetic diseases. Last evaluated: 2022-04-08. Review status: criteria provided, single submitter. Criteria: Ambry Variant Classification Scheme 2023. Collection method: clinical testing. Allele origin: germline.